The following is an entry in ClinVar:

ClinVar aggregate classification (germline): Pathogenic. Review status: reviewed by expert panel (3 of 4 stars). 3 submissions from 3 submitters: Pathogenic (1). 2 of the submissions do not count toward it. Last evaluated 2020-10-05.

Conditions:
Glycogen storage disease, type II (IOPD). Also called: CARDIOMEGALIA GLYCOGENICA DIFFUSA; POMPE DISEASE, INFANTILE-ONSET; GLYCOGEN STORAGE DISEASE II, INFANTILE-ONSET; ACID ALPHA-GLUCOSIDASE DEFICIENCY, INFANTILE-ONSET; GAA DEFICIENCY, INFANTILE-ONSET; ACID MALTASE DEFICIENCY, INFANTILE-ONSET. Identifiers: Orphanet 365, MedGen C0017921, MONDO:0009290, OMIM 232300.

Submissions (3):

ClinGen Lysosomal Storage Disorder Variant Curation Expert Panel
Classification: Pathogenic for Glycogen storage disease, type II. Last evaluated: 2020-10-05. Review status: reviewed by expert panel. Criteria: ClinGen LSD ACMG Specifications v1. Collection method: curation. Allele origin: germline. Inheritance: Autosomal recessive inheritance.
Comment: This variant, c.876C>G (p.Tyr292Ter), is a nonsense variant that is predicted to result in nonsense mediated decay and lack of gene product. Therefore, PVS1 can be applied. Functional studies, in which the variant was expressed in COS cells revealed no GAA activity in the cells or medium. However, a faint band representing GAA protein was detectable on Western blot (PMID 31510962). As the experiment was done in an in vitro expression system, it is unclear whether any gene product would be made in vivo. This variant was absent in gnomAD v2.1.1, meeting PM2. Two patients with infantile onset Pompe disease from Thailand have been reported (PMID 31510962). The residual GAA activity was provided for one of them, meeting PP4. This patient is compound heterozygous for the variant and c.1003G>A (p.Gly335Arg). The in trans data from this patient was used in the assessment of p.Gly335Arg and is not included here in order to avoid circular logic. Therefore, PM3 is currently not met. There is a ClinVar entry for this variant (Variation ID: 637958, 0 star review status) with one submitter (an author of this paper) classifying the variant as pathogenic. In summary, this variant meets the criteria to be classified as pathogenic for Pompe disease. GAA-specific ACMG/AMP criteria applied, as specified by the ClinGen LSD VCEP: PVS1, PM2, PP4.

Genomenon, Inc
Classification: Pathogenic for Glycogen storage disease, type II. Last evaluated: 2026-07-01. Review status: criteria provided, single submitter. Criteria: Genomenon Sequence Variant Interpretation Standards - Updated. Collection method: curation. Allele origin: germline. Affected: yes. Not counted in ClinVar's aggregate classification.
Comment: GAA p.Tyr292Ter (c.876C>G) is a nonsense variant that introduces a premature stop codon at amino acid position 292 and is predicted to result in a truncated or absent protein product. This variant has been observed in at least one proband with a GAA-related disorder (PMID:31510962). At least one functional study has demonstrated a substantial alteration in protein function relative to the wild-type (PMID:31510962). It is absent or not present at a significant frequency in gnomAD. In conclusion, we classify GAA p.Tyr292Ter (c.876C>G) as a pathogenic variant.

Department of Pediatrics, Division of Medical Genetics, Faculty of Medicine Ramathibodi Hospital, Mahidol University
Classification: Pathogenic for Glycogen storage disease, type II. Last evaluated: 2019-07-10. Review status: no assertion criteria provided. Collection method: clinical testing, in vitro. Allele origin: germline, not applicable. Inheritance: Autosomal recessive inheritance. Affected: yes. Observed: 1 homozygote. Not counted in ClinVar's aggregate classification.
Comment: The c.876C>G creates a premature protein product p.Y292* resulting from early termination of protein synthesis. This variant has not been reported in the literature in individuals with GAA-related disease. The c.876C>G (p.Y292*) located at N-terminal of beta-sheet domain, is predicted to eliminate most of the enzyme, including the catalytic domain. In vitro expression analysis of c.876C>G (p.Y292*) indicates that this mutation lead to undetectable GAA activity in both cell lysate and culture medium and prohibited secretion of the precursor form completely. We interpret this variant has been classified as Pathogenic.

Literature cited by the submitters: PubMed 31510962 (cited by Genomenon, Inc and Department of Pediatrics, Division of Medical Genetics, Faculty of Medicine Ramathibodi Hospital, Mahidol University).

NM_000152.5(GAA):c.876C>G (p.Tyr292Ter)

Gene: GAA (alpha glucosidase; plus strand). Cytogenetic location: 17q25.3.
Variant type: single nucleotide variant.
Coding change: c.876C>G on transcript NM_000152.5 (MANE Select); coding-DNA position 876, C replaced by G.
Protein change: p.Tyr292Ter; replaces tyrosine 292 with a stop codon.
Molecular consequence: nonsense.
Genome position (GRCh38, 1-based): chr17:80,107,817, C>G. VCF-style: chr17-80107817-C-G. GRCh37 (hg19) VCF-style: chr17-78081616-C-G.
Other names: c.876C>G, p.Tyr292Ter (NM_001079803.3, NM_001079804.3); short protein forms Y292*.
Identifiers: ClinVar variation 637958 (VCV000637958.8), dbSNP rs763216519, ClinGen allele CA401363871.